The following is an entry in ClinVar:

NM_212482.4(FN1):c.5531G>A (p.Arg1844Gln)

Gene: FN1 (fibronectin 1; minus strand). Cytogenetic location: 2q35.
Variant type: single nucleotide variant.
Coding change: c.5531G>A on transcript NM_212482.4 (MANE Select); coding-DNA position 5531, G replaced by A.
Protein change: p.Arg1844Gln; replaces arginine 1844 with glutamine.
Molecular consequence: missense variant.
Genome position (GRCh38, 1-based): chr2:215,379,221, C>T on the plus strand (G>A on the coding strand, the complement: FN1 is on the minus strand). VCF-style: chr2-215379221-C-T. GRCh37 (hg19) VCF-style: chr2-216243944-C-T.
Other names: c.5531G>A, p.Arg1844Gln (NM_001306129.2); c.5261G>A, p.Arg1754Gln (NM_001306130.2, NM_001365517.2, NM_001365519.2 and 2 more transcripts); c.4988G>A, p.Arg1663Gln (NM_001306131.2, NM_212474.3, NM_212476.3 and 2 more transcripts); c.5258G>A, p.Arg1753Gln (NM_212478.3, NM_001365518.2, NM_001365520.2 and 2 more transcripts); short protein forms R1753Q, R1663Q, R1754Q, R1844Q.
Identifiers: ClinVar variation 2174065 (VCV002174065.4), dbSNP rs768392132, ClinGen allele CA2094122.

ClinVar aggregate classification (germline): Uncertain significance (1 of 4 stars; one submission).

Allele frequency attached by ClinVar (database versions not stated): gnomAD exomes below 0.00001; ExAC 0.00001; gnomAD 0.00001.
gnomAD v4.1: 6 of 1,613,910 alleles (0.00037%); highest among the groups gnomAD compares: Admixed American, 0.0033%; no homozygotes.

Submission:

Labcorp Genetics (formerly Invitae), Labcorp
Classification: Uncertain significance. Last evaluated: 2022-11-03. Review status: criteria provided, single submitter. Criteria: Invitae Variant Classification Sherloc (09022015). Collection method: clinical testing. Allele origin: germline.
Comment: This sequence change replaces arginine, which is basic and polar, with glutamine, which is neutral and polar, at codon 1844 of the FN1 protein (p.Arg1844Gln). This variant is present in population databases (rs768392132, gnomAD 0.003%). This variant has not been reported in the literature in individuals affected with FN1-related conditions. In summary, the available evidence is currently insufficient to determine the role of this variant in disease. Therefore, it has been classified as a Variant of Uncertain Significance. Algorithms developed to predict the effect of missense changes on protein structure and function are either unavailable or do not agree on the potential impact of this missense change (SIFT: "Not Available"; PolyPhen-2: "Probably Damaging"; Align-GVGD: "Not Available").